The following is an entry in ClinVar:

ClinVar aggregate classification (germline): Likely pathogenic (1 of 4 stars; one submission).

Conditions:
Spermatogenic failure 46. Identifiers: MedGen C5436799, MONDO:0033673, OMIM 619095.

Submission:

Juno Genomics, Hangzhou Juno Genomics, Inc
Classification: Likely pathogenic for Spermatogenic failure 46. Review status: criteria provided, single submitter. Criteria: ACMG Guidelines, 2015. Collection method: clinical testing. Allele origin: germline. Affected: yes.
Comment: Absent from controls (or at extremely low frequency if recessive) in Genome Aggregation Database.;Null variant in a gene where loss of function (LOF) is a known mechanism of disease.

NM_001206927.2(DNAH8):c.600_603delinsTAC (p.Pro201fs)

Gene: DNAH8 (dynein axonemal heavy chain 8; plus strand). Cytogenetic location: 6p21.2.
Variant type: Indel.
Coding change: c.600_603delinsTAC on transcript NM_001206927.2 (MANE Select); coding-DNA positions 600 to 603, ACCT replaced by TAC.
Protein change: p.Pro201fs; shifts the reading frame from proline 201.
Molecular consequence: frameshift variant. On other transcripts: intron variant (1).
Genome position (GRCh38, 1-based): chr6:38,729,976-38,729,979, ACCT replaced by TAC. VCF-style: chr6-38729976-ACCT-TAC. GRCh37 (hg19) VCF-style: chr6-38697752-ACCT-TAC.
Other names: c.-41-4498_-41-4495delinsTAC (NM_001371.4); short protein forms P201fs.
Identifiers: ClinVar variation 5018585 (VCV005018585.1).